The following is an entry in ClinVar:

NM_033305.3(VPS13A):c.2779A>G (p.Asn927Asp)

Gene: VPS13A (vacuolar protein sorting 13 homolog A; plus strand). Cytogenetic location: 9q21.2.
Variant type: single nucleotide variant.
Coding change: c.2779A>G on transcript NM_033305.3 (MANE Select); coding-DNA position 2779, A replaced by G.
Protein change: p.Asn927Asp; replaces asparagine 927 with aspartic acid.
Molecular consequence: missense variant.
Genome position (GRCh38, 1-based): chr9:77,276,176, A>G. VCF-style: chr9-77276176-A-G. GRCh37 (hg19) VCF-style: chr9-79891092-A-G.
Other names: c.2779A>G, p.Asn927Asp (NM_001018037.2, NM_001018038.3, NM_015186.4); short protein forms N927D.
Identifiers: ClinVar variation 1505415 (VCV001505415.5), dbSNP rs2131332649, ClinGen allele CA373844972.

ClinVar aggregate classification (germline): Uncertain significance (1 of 4 stars; one submission).

Allele frequency attached by ClinVar (database versions not stated): gnomAD exomes 0.00001.
gnomAD v4.1: 7 of 1,610,162 alleles (0.00043%); highest among the groups gnomAD compares: Non-Finnish European, 0.00059%; no homozygotes.

Submission:

Labcorp Genetics (formerly Invitae), Labcorp
Classification: Uncertain significance. Last evaluated: 2021-09-17. Review status: criteria provided, single submitter. Criteria: Invitae Variant Classification Sherloc (09022015). Collection method: clinical testing. Allele origin: germline.
Comment: This sequence change replaces asparagine with aspartic acid at codon 927 of the VPS13A protein (p.Asn927Asp). The asparagine residue is moderately conserved and there is a small physicochemical difference between asparagine and aspartic acid. This variant is not present in population databases (ExAC no frequency). This variant has not been reported in the literature in individuals with VPS13A-related conditions. Algorithms developed to predict the effect of missense changes on protein structure and function (SIFT, PolyPhen-2, Align-GVGD) all suggest that this variant is likely to be tolerated, but these predictions have not been confirmed by published functional studies and their clinical significance is uncertain. Algorithms developed to predict the effect of sequence changes on RNA splicing suggest that this variant may create or strengthen a splice site, but this prediction has not been confirmed by published transcriptional studies. In summary, the available evidence is currently insufficient to determine the role of this variant in disease. Therefore, it has been classified as a Variant of Uncertain Significance.